The following is an entry in ClinVar:

NM_000742.4(CHRNA2):c.731A>G (p.Lys244Arg)

Gene: CHRNA2 (cholinergic receptor nicotinic alpha 2 subunit; minus strand). Cytogenetic location: 8p21.2.
Variant type: single nucleotide variant.
Coding change: c.731A>G on transcript NM_000742.4 (MANE Select); coding-DNA position 731, A replaced by G.
Protein change: p.Lys244Arg; replaces lysine 244 with arginine.
Molecular consequence: missense variant.
Genome position (GRCh38, 1-based): chr8:27,463,712, T>C on the plus strand (A>G on the coding strand, the complement: CHRNA2 is on the minus strand). VCF-style: chr8-27463712-T-C. GRCh37 (hg19) VCF-style: chr8-27321229-T-C.
Other names: p.K244R:AAG>AGG; c.686A>G, p.Lys229Arg (NM_001282455.2); c.254A>G, p.Lys85Arg (NM_001347705.2, NM_001347706.2); c.137A>G, p.Lys46Arg (NM_001347707.2, NM_001347708.2); short protein forms K244R, K85R, K229R, K46R.
Identifiers: ClinVar variation 204965 (VCV000204965.18), dbSNP rs146751925, ClinGen allele CA313452.

ClinVar aggregate classification (germline): Benign/Likely benign. Review status: criteria provided, multiple submitters, no conflicts (2 of 4 stars). 6 submissions from 6 submitters: Benign (1); Likely benign (4). 1 of the submissions does not count toward it. Last evaluated 2026-01-05.

Conditions:
CHRNA2-related disorder. Also called: CHRNA2-related condition.
Familial sleep-related hypermotor epilepsy. Also called: Autosomal Dominant Sleep-Related Hypermotor (Hyperkinetic) Epilepsy. Identifiers: Orphanet 98784, MedGen C3696898, MONDO:0000030.
Inborn genetic diseases. Identifiers: MedGen C0950123, MeSH D030342.

Allele frequency attached by ClinVar (database versions not stated): gnomAD exomes 0.00006 and 0.00012; ExAC 0.00011; ESP Exome Variant Server 0.00038; 1000 Genomes Project 0.00040; 1000 Genomes Project 30x 0.00047; gnomAD 0.00048 and 0.00051; TOPMed 0.00051.
gnomAD v4.1: 155 of 1,604,526 alleles (0.0097%); highest among the groups gnomAD compares: African/African-American, 0.19%; no homozygotes.

Submissions (6):

Labcorp Genetics (formerly Invitae), Labcorp
Classification: Likely benign. Last evaluated: 2026-01-05. Review status: criteria provided, single submitter. Criteria: Invitae Variant Classification Sherloc (09022015). Collection method: clinical testing. Allele origin: germline.

Ambry Genetics
Classification: Likely benign for Inborn genetic diseases. Last evaluated: 2023-12-13. Review status: criteria provided, single submitter. Criteria: Ambry Variant Classification Scheme 2023. Collection method: clinical testing. Allele origin: germline.

Blueprint Genetics
Classification: Likely benign. Last evaluated: 2023-10-17. Review status: criteria provided, single submitter. Criteria: ACMG Guidelines, 2015. Collection method: clinical testing. Allele origin: germline.

GeneDx
Classification: Benign. Last evaluated: 2019-06-25. Review status: criteria provided, single submitter. Criteria: GeneDx Variant Classification Process June 2021. Collection method: clinical testing. Allele origin: germline. Affected: yes.

Breakthrough Genomics
Classification: Likely benign. Review status: criteria provided, single submitter. Criteria: ACMG Guidelines, 2015. Collection method: not provided. Allele origin: germline. Inheritance: Autosomal dominant inheritance. Affected: yes.

PreventionGenetics, part of Exact Sciences
Classification: Likely benign for CHRNA2-related condition. Last evaluated: 2023-03-24. Review status: no assertion criteria provided. Collection method: clinical testing. Allele origin: germline. Not counted in ClinVar's aggregate classification.
Comment: This variant is classified as likely benign based on ACMG/AMP sequence variant interpretation guidelines (Richards et al. 2015 PMID: 25741868, with internal and published modifications).